The following is an entry in ClinVar:

NM_004260.4(RECQL4):c.1298T>G (p.Leu433Arg)

Gene: RECQL4 (RecQ like helicase 4; minus strand). Cytogenetic location: 8q24.3.
Variant type: single nucleotide variant.
Coding change: c.1298T>G on transcript NM_004260.4 (MANE Select); coding-DNA position 1298, T replaced by G.
Protein change: p.Leu433Arg; replaces leucine 433 with arginine.
Molecular consequence: missense variant.
Genome position (GRCh38, 1-based): chr8:144,515,418, A>C on the plus strand (T>G on the coding strand, the complement: RECQL4 is on the minus strand). VCF-style: chr8-144515418-A-C. GRCh37 (hg19) VCF-style: chr8-145740802-A-C.
Other names: c.1202T>G, p.Leu401Arg (NM_001413017.1, NM_001413020.1); c.1298T>G, p.Leu433Arg (NM_001413018.1, NM_001413019.1, NM_001413033.1 and 2 more transcripts); c.227T>G, p.Leu76Arg (NM_001413021.1, NM_001413022.1, NM_001413023.1 and 8 more transcripts); c.1169T>G, p.Leu390Arg (NM_001413025.1); c.161T>G, p.Leu54Arg (NM_001413027.1, NM_001413030.1, NM_001413031.1 and 2 more transcripts); c.947T>G, p.Leu316Arg (NM_001413029.1); c.-170T>G (NM_001413043.1); short protein forms L390R, L76R, L54R, L316R, L401R, L433R.
Identifiers: ClinVar variation 1923650 (VCV001923650.5), dbSNP rs2538064905, ClinGen allele CA372685830.

ClinVar aggregate classification (germline): Uncertain significance (1 of 4 stars; one submission).

Conditions:
Baller-Gerold syndrome (BGS). Also called: CRANIOSYNOSTOSIS WITH RADIAL DEFECTS. Identifiers: Orphanet 1225, MedGen C0265308, MONDO:0009039, OMIM 218600.

Submission:

Labcorp Genetics (formerly Invitae), Labcorp
Classification: Uncertain significance for Baller-Gerold syndrome. Last evaluated: 2025-06-16. Review status: criteria provided, single submitter. Criteria: Invitae Variant Classification Sherloc (09022015). Collection method: clinical testing. Allele origin: germline.
Comment: This sequence change replaces leucine, which is neutral and non-polar, with arginine, which is basic and polar, at codon 433 of the RECQL4 protein (p.Leu433Arg). This variant is not present in population databases (gnomAD no frequency). This variant has not been reported in the literature in individuals affected with RECQL4-related conditions. ClinVar contains an entry for this variant (Variation ID: 1923650). Invitae Evidence Modeling of protein sequence and biophysical properties (such as structural, functional, and spatial information, amino acid conservation, physicochemical variation, residue mobility, and thermodynamic stability) indicates that this missense variant is not expected to disrupt RECQL4 protein function with a negative predictive value of 80%. In summary, the available evidence is currently insufficient to determine the role of this variant in disease. Therefore, it has been classified as a Variant of Uncertain Significance.